The following is an entry in ClinVar:

NM_032444.4(SLX4):c.2425G>A (p.Glu809Lys)

Gene: SLX4 (SLX4 structure-specific endonuclease subunit; minus strand). Cytogenetic location: 16p13.3.
Variant type: single nucleotide variant.
Coding change: c.2425G>A on transcript NM_032444.4 (MANE Select); coding-DNA position 2425, G replaced by A.
Protein change: p.Glu809Lys; replaces glutamic acid 809 with lysine.
Molecular consequence: missense variant.
Genome position (GRCh38, 1-based): chr16:3,591,213, C>T on the plus strand (G>A on the coding strand, the complement: SLX4 is on the minus strand). VCF-style: chr16-3591213-C-T. GRCh37 (hg19) VCF-style: chr16-3641214-C-T.
Other names: c.2425G>A (LRG_503t1); short protein forms E809K.
Identifiers: ClinVar variation 641260 (VCV000641260.7), dbSNP rs546657275, ClinGen allele CA7866153.

ClinVar aggregate classification (germline): Uncertain significance. Review status: criteria provided, multiple submitters, no conflicts (2 of 4 stars). 2 submissions from 2 submitters: Uncertain significance (2). Last evaluated 2025-09-23.

Conditions:
Fanconi anemia (FA). Also called: Fanconi's anemia. Identifiers: Orphanet 84, MedGen C0015625, MeSH D005199, MONDO:0019391.
Fanconi anemia complementation group P. Also called: SLX4-Related Fanconi Anemia. Identifiers: Orphanet 84, MedGen C3469542, MONDO:0013499, OMIM 613951.

Allele frequency attached by ClinVar (database versions not stated): ExAC 0.00001; gnomAD 0.00001 and 0.00002; gnomAD exomes 0.00002 and 0.00004; 1000 Genomes Project 0.00020; 1000 Genomes Project 30x 0.00031; TOPMed 0.00002.

Submissions (2):

Labcorp Genetics (formerly Invitae), Labcorp
Classification: Uncertain significance for Fanconi anemia. Last evaluated: 2025-09-23. Review status: criteria provided, single submitter. Criteria: Invitae Variant Classification Sherloc (09022015). Collection method: clinical testing. Allele origin: germline.
Comment: This sequence change replaces glutamic acid, which is acidic and polar, with lysine, which is basic and polar, at codon 809 of the SLX4 protein (p.Glu809Lys). This variant is present in population databases (rs546657275, gnomAD 0.02%). This variant has not been reported in the literature in individuals affected with SLX4-related conditions. ClinVar contains an entry for this variant (Variation ID: 641260). An algorithm developed to predict the effect of missense changes on protein structure and function outputs the following: PolyPhen-2: "Benign". The lysine amino acid residue is found in multiple mammalian species, which suggests that this missense change does not adversely affect protein function. In summary, the available evidence is currently insufficient to determine the role of this variant in disease. Therefore, it has been classified as a Variant of Uncertain Significance.

Fulgent Genetics
Classification: Uncertain significance for Fanconi anemia complementation group P. Last evaluated: 2021-12-10. Review status: criteria provided, single submitter. Criteria: ACMG Guidelines, 2015. Collection method: clinical testing. Allele origin: unknown.